The following is an entry in ClinVar:

NM_000053.4(ATP7B):c.3504T>C (p.Ala1168=)

Gene: ATP7B (ATPase copper transporting beta; minus strand). Cytogenetic location: 13q14.3.
Variant type: single nucleotide variant.
Coding change: c.3504T>C on transcript NM_000053.4 (MANE Select); coding-DNA position 3504, T replaced by C.
Protein change: p.Ala1168=; no amino-acid change (alanine 1168 retained).
Molecular consequence: synonymous variant. On other transcripts: intron variant (2).
Genome position (GRCh38, 1-based): chr13:51,941,133, A>G on the plus strand (T>C on the coding strand, the complement: ATP7B is on the minus strand). VCF-style: chr13-51941133-A-G. GRCh37 (hg19) VCF-style: chr13-52515269-A-G.
Other names: c.2883T>C, p.Ala961= (NM_001005918.3); c.3171T>C, p.Ala1057= (NM_001243182.2); c.3270T>C, p.Ala1090= (NM_001330578.2, NM_001406527.1, NM_001406528.1); c.3252T>C, p.Ala1084= (NM_001330579.2, NM_001406531.1, NM_001406532.1); c.3504T>C, p.Ala1168= (NM_001406511.1, NM_001406512.1, NM_001406526.1); c.3498T>C, p.Ala1166= (NM_001406513.1); c.3471T>C, p.Ala1157= (NM_001406514.1); c.3450T>C, p.Ala1150= (NM_001406515.1, NM_001406516.1); and 20 more.
Identifiers: ClinVar variation 2739294 (VCV002739294.4), dbSNP rs768438514, ClinGen allele CA483893951.

ClinVar aggregate classification (germline): Likely benign. Review status: criteria provided, multiple submitters, no conflicts (2 of 4 stars). 2 submissions from 2 submitters: Likely benign (2). Last evaluated 2023-05-19.

Conditions:
Wilson disease (WND). Also called: Wilson's disease. Identifiers: Orphanet 905, MedGen C0019202, MONDO:0010200, OMIM 277900. Disease mechanism: loss of function.

gnomAD v4.1: 1 of 1,614,210 alleles (0.000062%); no homozygotes.

Submissions (2):

Labcorp Genetics (formerly Invitae), Labcorp
Classification: Likely benign for Wilson disease. Last evaluated: 2023-05-19. Review status: criteria provided, single submitter. Criteria: Invitae Variant Classification Sherloc (09022015). Collection method: clinical testing. Allele origin: germline.

All of Us Research Program, National Institutes of Health
Classification: Likely benign for Wilson disease. Last evaluated: 2022-12-27. Review status: criteria provided, single submitter. Criteria: ACMG Guidelines, 2015. Collection method: clinical testing. Allele origin: germline. Inheritance: Autosomal recessive inheritance. Observed: 1 variant allele, 1 heterozygote.
Comment: This study involves interpretation of variants in research participants for the purpose of population health screening. Participant phenotype was not available at the time of variant classification. Additional details can be found in publication PMID: 35346344, PMCID: PMC8962531